The following is an entry in ClinVar:

ClinVar aggregate classification (germline): Benign. Review status: criteria provided, multiple submitters, no conflicts (2 of 4 stars). 2 submissions from 2 submitters: Benign (2). Last evaluated 2018-06-18.

Allele frequency attached by ClinVar (database versions not stated): 1000 Genomes Project 0.41214; 1000 Genomes Project 30x 0.41224; TOPMed 0.45917.
gnomAD v4.1: 265,469 of 545,910 alleles (49%); highest among the groups gnomAD compares: Middle Eastern, 61%; 66,976 homozygotes.

Submissions (2):

GeneDx
Classification: Benign. Last evaluated: 2018-06-18. Review status: criteria provided, single submitter. Criteria: GeneDx Variant Classification (06012015). Collection method: clinical testing. Allele origin: germline. Affected: yes.
Comment: This variant is considered likely benign or benign based on one or more of the following criteria: it is a conservative change, it occurs at a poorly conserved position in the protein, it is predicted to be benign by multiple in silico algorithms, and/or has population frequency not consistent with disease.

Breakthrough Genomics
Classification: Benign. Review status: criteria provided, single submitter. Criteria: ACMG Guidelines, 2015. Collection method: not provided. Allele origin: germline. Inheritance: Autosomal recessive inheritance. Affected: yes.

NM_016938.5(EFEMP2):c.727+252A>G

Gene: EFEMP2 (EGF containing fibulin extracellular matrix protein 2; minus strand). Cytogenetic location: 11q13.1.
Variant type: single nucleotide variant.
Coding change: c.727+252A>G on transcript NM_016938.5 (MANE Select); 252 bases into the intron after coding-DNA position 727, A replaced by G.
Molecular consequence: intron variant.
Genome position (GRCh38, 1-based): chr11:65,869,605, T>C on the plus strand (A>G on the coding strand, the complement: EFEMP2 is on the minus strand). VCF-style: chr11-65869605-T-C. GRCh37 (hg19) VCF-style: chr11-65637076-T-C.
Identifiers: ClinVar variation 683486 (VCV000683486.2), dbSNP rs570387, ClinGen allele CA13485726.